The following is an entry in ClinVar:

ClinVar aggregate classification (germline): Likely benign. Review status: criteria provided, multiple submitters, no conflicts (2 of 4 stars). 2 submissions from 2 submitters: Likely benign (2). Last evaluated 2025-01-06.

Allele frequency attached by ClinVar (database versions not stated): gnomAD exomes below 0.00001.
gnomAD v4.1: 1 of 1,211,731 alleles (0.000083%); highest among the groups gnomAD compares: Non-Finnish European, 0.00011%; no homozygotes.

Submissions (2):

Labcorp Genetics (formerly Invitae), Labcorp
Classification: Likely benign. Last evaluated: 2025-01-06. Review status: criteria provided, single submitter. Criteria: Invitae Variant Classification Sherloc (09022015). Collection method: clinical testing. Allele origin: germline.

CeGaT Center for Human Genetics Tuebingen
Classification: Likely benign. Last evaluated: 2023-10-01. Review status: criteria provided, single submitter. Criteria: CeGaT Center For Human Genetics Tuebingen Variant Classification Criteria Version 2. Collection method: clinical testing. Allele origin: germline. Affected: yes. Observed: 1 variant allele.
Comment: NEXMIF: PM2:Supporting, BP4, BP7

NM_001008537.3(NEXMIF):c.339A>G (p.Ser113=)

Gene: NEXMIF (neurite extension and migration factor; minus strand). Cytogenetic location: Xq13.3.
Variant type: single nucleotide variant.
Coding change: c.339A>G on transcript NM_001008537.3 (MANE Select); coding-DNA position 339, A replaced by G.
Protein change: p.Ser113=; no amino-acid change (serine 113 retained).
Molecular consequence: synonymous variant.
Genome position (GRCh38, 1-based): chrX:74,744,218, T>C on the plus strand (A>G on the coding strand, the complement: NEXMIF is on the minus strand). VCF-style: chrX-74744218-T-C. GRCh37 (hg19) VCF-style: chrX-73964053-T-C.
Identifiers: ClinVar variation 2660937 (VCV002660937.26), dbSNP rs2519916825, ClinGen allele CA517468539.